The following is an entry in ClinVar:

NM_001201539.2(ARSF):c.406G>C (p.Gly136Arg)

Gene: ARSF (arylsulfatase F; plus strand). Cytogenetic location: Xp22.33.
Variant type: single nucleotide variant.
Coding change: c.406G>C on transcript NM_001201539.2 (MANE Select); coding-DNA position 406, G replaced by C.
Protein change: p.Gly136Arg; replaces glycine 136 with arginine.
Molecular consequence: missense variant.
Genome position (GRCh38, 1-based): chrX:3,081,013, G>C. VCF-style: chrX-3081013-G-C. GRCh37 (hg19) VCF-style: chrX-2999054-G-C.
Other names: NM_004042.5:c.406G>C; c.406G>C, p.Gly136Arg (NM_001201538.2, NM_004042.5); short protein forms G136R.
Identifiers: ClinVar variation 4819469 (VCV004819469.1).

ClinVar aggregate classification (germline): Uncertain significance (1 of 4 stars; one submission).

Conditions:
Neurodevelopmental disorder. Identifiers: MedGen C1535926, MeSH D065886, MONDO:0700092.

Submission:

Broad Center for Mendelian Genomics, Broad Institute of MIT and Harvard
Classification: Uncertain significance for Neurodevelopmental disorder. Last evaluated: 2026-03-02. Review status: criteria provided, single submitter. Criteria: ACMG Guidelines, 2015. Collection method: research. Allele origin: germline. Inheritance: X-linked inheritance.
Comment: The p.Gly136Arg variant in ARSF has not been previously reported in the literature in individuals with neurodevelopmental disorders, and was absent from large population studies. Computational prediction tools and conservation analyses suggest that this variant may impact the protein, though this information is not predictive enough to determine an impact. While variants in the ARSF gene have been reported in individuals with neurodevelopmental disorders, this association has not been definitively established. In summary, given the limited information about this gene-disease relationship, the significance of the p.Gly136Arg variant is uncertain.